The following is an entry in ClinVar:

ClinVar aggregate classification (germline): Uncertain significance. Review status: criteria provided, multiple submitters, no conflicts (2 of 4 stars). 4 submissions from 4 submitters: Uncertain significance (4). Last evaluated 2025-11-26.

Conditions:
Renal-hepatic-pancreatic dysplasia 1 (RHPD1). Identifiers: MedGen C3715199, MONDO:0008833, OMIM 208540.
NPHP3-related Meckel-like syndrome. Also called: GOLDSTON SYNDROME; Meckel syndrome type 7. Identifiers: Orphanet 3032, MedGen C2673885, MONDO:0009966, OMIM 267010.
Nephronophthisis 3 (NPHP3). Also called: Adolescent nephronophthisis. Identifiers: Orphanet 655, MedGen C1858392, MONDO:0011456, OMIM 604387.
Nephronophthisis. Also called: Juvenile Nephronophthisis. Identifiers: Orphanet 655, MedGen C0687120, MONDO:0019005, HP:0000090.
Inborn genetic diseases. Identifiers: MedGen C0950123, MeSH D030342.

Allele frequency attached by ClinVar (database versions not stated): TOPMed 0.00003; gnomAD 0.00005; ExAC 0.00008; gnomAD exomes 0.00009 and 0.00014.
gnomAD v4.1: 202 of 1,611,342 alleles (0.013%); highest among the groups gnomAD compares: Non-Finnish European, 0.016%; no homozygotes.

Submissions (4):

Ambry Genetics
Classification: Uncertain significance for Inborn genetic diseases. Last evaluated: 2025-11-26. Review status: criteria provided, single submitter. Criteria: Ambry Variant Classification Scheme 2023. Collection method: clinical testing. Allele origin: germline.

Blueprint Genetics
Classification: Uncertain significance. Last evaluated: 2024-07-25. Review status: criteria provided, single submitter. Criteria: ACMG Guidelines, 2015. Collection method: clinical testing. Allele origin: germline.

Labcorp Genetics (formerly Invitae), Labcorp
Classification: Uncertain significance for Nephronophthisis. Last evaluated: 2022-09-19. Review status: criteria provided, single submitter. Criteria: Invitae Variant Classification Sherloc (09022015). Collection method: clinical testing. Allele origin: germline.
Comment: This sequence change replaces leucine, which is neutral and non-polar, with serine, which is neutral and polar, at codon 1241 of the NPHP3 protein (p.Leu1241Ser). This variant is present in population databases (rs756330976, gnomAD 0.02%). This variant has not been reported in the literature in individuals affected with NPHP3-related conditions. ClinVar contains an entry for this variant (Variation ID: 938396). Advanced modeling of protein sequence and biophysical properties (such as structural, functional, and spatial information, amino acid conservation, physicochemical variation, residue mobility, and thermodynamic stability) performed at Invitae indicates that this missense variant is not expected to disrupt NPHP3 protein function. In summary, the available evidence is currently insufficient to determine the role of this variant in disease. Therefore, it has been classified as a Variant of Uncertain Significance.

Fulgent Genetics
Classification: Uncertain significance for Renal-hepatic-pancreatic dysplasia 1; NPHP3-related Meckel-like syndrome; Nephronophthisis 3. Last evaluated: 2022-05-07. Review status: criteria provided, single submitter. Criteria: ACMG Guidelines, 2015. Collection method: clinical testing. Allele origin: unknown.

NM_153240.5(NPHP3):c.3722T>C (p.Leu1241Ser)

Genes: NPHP3 (nephrocystin 3; minus strand), NPHP3-ACAD11 (NPHP3-ACAD11 readthrough (NMD candidate); minus strand). Cytogenetic location: 3q22.1.
Variant type: single nucleotide variant.
Coding change: c.3722T>C on transcript NM_153240.5 (MANE Select); coding-DNA position 3722, T replaced by C.
Protein change: p.Leu1241Ser; replaces leucine 1241 with serine.
Molecular consequence: missense variant. On other transcripts: non-coding transcript variant (1).
Genome position (GRCh38, 1-based): chr3:132,682,793, A>G on the plus strand (T>C on the coding strand, the complement: NPHP3 is on the minus strand). VCF-style: chr3-132682793-A-G. GRCh37 (hg19) VCF-style: chr3-132401637-A-G.
Other names: short protein forms L1241S.
Identifiers: ClinVar variation 938396 (VCV000938396.10), dbSNP rs756330976, ClinGen allele CA2621657.